The following is an entry in ClinVar:

ClinVar aggregate classification (germline): Uncertain significance. Review status: criteria provided, multiple submitters, no conflicts (2 of 4 stars). 2 submissions from 2 submitters: Uncertain significance (2). Last evaluated 2025-07-09.

Conditions:
Inborn genetic diseases. Identifiers: MedGen C0950123, MeSH D030342.
MYO5B-related disorder. Also called: MYO5B-related condition.

Allele frequency attached by ClinVar (database versions not stated): TOPMed 0.00001; ExAC 0.00002.
gnomAD v4.1: 7 of 1,609,336 alleles (0.00043%); highest among the groups gnomAD compares: East Asian, 0.0089%; no homozygotes.

Submissions (2):

PreventionGenetics, part of Exact Sciences
Classification: Uncertain significance for MYO5B-related condition. Last evaluated: 2025-07-09. Review status: criteria provided, single submitter. Criteria: ACMG Guidelines, 2015. Collection method: clinical testing. Allele origin: germline.
Comment: The MYO5B c.3832G>A variant is predicted to result in the amino acid substitution p.Gly1278Ser. To our knowledge, this variant has not been reported in the literature. This variant is reported in 0.022% of alleles in individuals of East Asian descent in gnomAD. At this time, the clinical significance of this variant is uncertain due to the absence of conclusive functional and genetic evidence.

Ambry Genetics
Classification: Uncertain significance for Inborn genetic diseases. Last evaluated: 2023-12-27. Review status: criteria provided, single submitter. Criteria: Ambry Variant Classification Scheme 2023. Collection method: clinical testing. Allele origin: germline.

NM_001080467.3(MYO5B):c.3832G>A (p.Gly1278Ser)

Gene: MYO5B (myosin VB; minus strand). Cytogenetic location: 18q21.1.
Variant type: single nucleotide variant.
Coding change: c.3832G>A on transcript NM_001080467.3 (MANE Select); coding-DNA position 3832, G replaced by A.
Protein change: p.Gly1278Ser; replaces glycine 1278 with serine.
Molecular consequence: missense variant.
Genome position (GRCh38, 1-based): chr18:49,864,152, C>T on the plus strand (G>A on the coding strand, the complement: MYO5B is on the minus strand). VCF-style: chr18-49864152-C-T. GRCh37 (hg19) VCF-style: chr18-47390522-C-T.
Other names: short protein forms G1278S.
Identifiers: ClinVar variation 3165301 (VCV003165301.2), dbSNP rs771531830, ClinGen allele CA8960582.